The following is an entry in ClinVar:

ClinVar aggregate classification (germline): Uncertain significance (1 of 4 stars; one submission).

Allele frequency attached by ClinVar (database versions not stated): gnomAD exomes 0.00001; TOPMed 0.00002.

Submission:

Labcorp Genetics (formerly Invitae), Labcorp
Classification: Uncertain significance. Last evaluated: 2022-02-18. Review status: criteria provided, single submitter. Criteria: Invitae Variant Classification Sherloc (09022015). Collection method: clinical testing. Allele origin: germline.
Comment: This sequence change replaces valine, which is neutral and non-polar, with isoleucine, which is neutral and non-polar, at codon 52 of the C7 protein (p.Val52Ile). This variant is not present in population databases (gnomAD no frequency). This variant has not been reported in the literature in individuals affected with C7-related conditions. Algorithms developed to predict the effect of missense changes on protein structure and function output the following: SIFT: "Tolerated"; PolyPhen-2: "Benign"; Align-GVGD: "Class C0". The isoleucine amino acid residue is found in multiple mammalian species, which suggests that this missense change does not adversely affect protein function. In summary, the available evidence is currently insufficient to determine the role of this variant in disease. Therefore, it has been classified as a Variant of Uncertain Significance.

NM_000587.4(C7):c.154G>A (p.Val52Ile)

Gene: C7 (complement C7; plus strand). Cytogenetic location: 5p13.1.
Variant type: single nucleotide variant.
Coding change: c.154G>A on transcript NM_000587.4 (MANE Select); coding-DNA position 154, G replaced by A.
Protein change: p.Val52Ile; replaces valine 52 with isoleucine.
Molecular consequence: missense variant.
Genome position (GRCh38, 1-based): chr5:40,934,340, G>A. VCF-style: chr5-40934340-G-A. GRCh37 (hg19) VCF-style: chr5-40934442-G-A.
Other names: short protein forms V52I.
Identifiers: ClinVar variation 1951185 (VCV001951185.2), dbSNP rs1471234164, ClinGen allele CA359588902.